The following is an entry in ClinVar:

NM_000123.4(ERCC5):c.1192G>A (p.Asp398Asn)

Genes: BIVM-ERCC5 (BIVM-ERCC5 readthrough; plus strand), ERCC5 (ERCC excision repair 5, endonuclease; plus strand). Cytogenetic location: 13q33.1.
Variant type: single nucleotide variant.
Coding change: c.1192G>A on transcript NM_000123.4 (MANE Select); coding-DNA position 1192, G replaced by A.
Protein change: p.Asp398Asn; replaces aspartic acid 398 with asparagine.
Molecular consequence: missense variant.
Genome position (GRCh38, 1-based): chr13:102,862,341, G>A. VCF-style: chr13-102862341-G-A. GRCh37 (hg19) VCF-style: chr13-103514691-G-A.
Other names: c.2554G>A, p.Asp852Asn (NM_001204425.2); short protein forms D398N, D852N.
Identifiers: ClinVar variation 1934124 (VCV001934124.5), dbSNP rs777835169, ClinGen allele CA7041367.

ClinVar aggregate classification (germline): Uncertain significance (1 of 4 stars; one submission).

Allele frequency attached by ClinVar (database versions not stated): gnomAD exomes 0.00006; ExAC 0.00012.

Submission:

Labcorp Genetics (formerly Invitae), Labcorp
Classification: Uncertain significance. Last evaluated: 2022-07-25. Review status: criteria provided, single submitter. Criteria: Invitae Variant Classification Sherloc (09022015). Collection method: clinical testing. Allele origin: germline.
Comment: This variant is present in population databases (rs777835169, gnomAD 0.1%), including at least one homozygous and/or hemizygous individual. In summary, the available evidence is currently insufficient to determine the role of this variant in disease. Therefore, it has been classified as a Variant of Uncertain Significance. Algorithms developed to predict the effect of missense changes on protein structure and function are either unavailable or do not agree on the potential impact of this missense change (SIFT: "Tolerated"; PolyPhen-2: "Possibly Damaging"; Align-GVGD: "Class C0"). This variant has not been reported in the literature in individuals affected with ERCC5-related conditions. This sequence change replaces aspartic acid, which is acidic and polar, with asparagine, which is neutral and polar, at codon 398 of the ERCC5 protein (p.Asp398Asn).